The following is an entry in ClinVar:

ClinVar aggregate classification (germline): Uncertain significance (1 of 4 stars; one submission).

Submission:

Labcorp Genetics (formerly Invitae), Labcorp
Classification: Uncertain significance. Last evaluated: 2026-02-01. Review status: criteria provided, single submitter. Criteria: Invitae Variant Classification Sherloc (09022015). Collection method: clinical testing. Allele origin: germline.
Comment: This sequence change replaces arginine, which is basic and polar, with serine, which is neutral and polar, at codon 654 of the ZBTB20 protein (p.Arg654Ser). This variant is not present in population databases (gnomAD no frequency). This variant has not been reported in the literature in individuals affected with ZBTB20-related conditions. Invitae Evidence Modeling of protein sequence and biophysical properties (such as structural, functional, and spatial information, amino acid conservation, physicochemical variation, residue mobility, and thermodynamic stability) has been performed for this missense variant. However, the output from this modeling did not meet the statistical confidence thresholds required to predict the impact of this variant on ZBTB20 protein function. In summary, the available evidence is currently insufficient to determine the role of this variant in disease. Therefore, it has been classified as a Variant of Uncertain Significance.

NM_001348800.3(ZBTB20):c.1960C>A (p.Arg654Ser)

Gene: ZBTB20 (zinc finger and BTB domain containing 20; minus strand). Cytogenetic location: 3q13.31.
Variant type: single nucleotide variant.
Coding change: c.1960C>A on transcript NM_001348800.3 (MANE Select); coding-DNA position 1960, C replaced by A.
Protein change: p.Arg654Ser; replaces arginine 654 with serine.
Molecular consequence: missense variant. On other transcripts: non-coding transcript variant (1).
Genome position (GRCh38, 1-based): chr3:114,339,271, G>T on the plus strand (C>A on the coding strand, the complement: ZBTB20 is on the minus strand). VCF-style: chr3-114339271-G-T. GRCh37 (hg19) VCF-style: chr3-114058118-G-T.
Other names: c.1960C>A, p.Arg654Ser (NM_001164342.2, NM_001348803.3, NM_001393393.1 and 1 more transcripts); c.1741C>A, p.Arg581Ser (NM_001164343.2, NM_001164344.4, NM_001164345.4 and 9 more transcripts); short protein forms R581S, R654S.
Identifiers: ClinVar variation 4799740 (VCV004799740.1).
Genomic context (GRCh38, chr3:114,339,271, plus strand): 5'-TGTGAGAGAACTTCTTTTTGCAGATGTAGCACTCGTAGGACTTCTCTCCCCGGTGGAGGC[G>T]CATGTGCACGTTGAGGGAGCTCTTCTGGGTGAAGCGCTTGTTGCAGATACTACACTGGTA-3'
Protein context (NP_001335729.1, residues 644-664): TQKSSLNVHM[Arg654Ser]LHRGEKSYEC